The following is an entry in ClinVar:

NM_001184.4(ATR):c.2958T>C (p.Asp986=)

Gene: ATR (ATR checkpoint kinase; minus strand). Cytogenetic location: 3q23.
Variant type: single nucleotide variant.
Coding change: c.2958T>C on transcript NM_001184.4 (MANE Select); coding-DNA position 2958, T replaced by C.
Protein change: p.Asp986=; no amino-acid change (aspartic acid 986 retained).
Molecular consequence: synonymous variant.
Genome position (GRCh38, 1-based): chr3:142,550,150, A>G on the plus strand (T>C on the coding strand, the complement: ATR is on the minus strand). VCF-style: chr3-142550150-A-G. GRCh37 (hg19) VCF-style: chr3-142268992-A-G.
Other names: c.2766T>C, p.Asp922= (NM_001354579.2).
Identifiers: ClinVar variation 389315 (VCV000389315.13), dbSNP rs143919996, ClinGen allele CA2650242.

ClinVar aggregate classification (germline): Likely benign. Review status: criteria provided, multiple submitters, no conflicts (2 of 4 stars). 7 submissions from 6 submitters: Likely benign (7). Last evaluated 2025-07-20.

Conditions:
ATR-related disorder. Also called: ATR-related condition.
Inborn genetic diseases. Identifiers: MedGen C0950123, MeSH D030342.
Familial cutaneous telangiectasia and oropharyngeal predisposition cancer syndrome. Identifiers: Orphanet 313846, MedGen C3281203, MONDO:0013806, OMIM 614564.
Seckel syndrome 1 (SCKL1). Also called: MICROCEPHALIC PRIMORDIAL DWARFISM I. Identifiers: Orphanet 808, MedGen C4551474, MONDO:0008869, OMIM 210600.

Allele frequency attached by ClinVar (database versions not stated): gnomAD 0.00001; TOPMed 0.00001; gnomAD exomes 0.00003 and 0.00005; ExAC 0.00005; 1000 Genomes Project 30x 0.00016; 1000 Genomes Project 0.00020.
gnomAD v4.1: 76 of 1,614,188 alleles (0.0047%); highest among the groups gnomAD compares: Non-Finnish European, 0.0058%; no homozygotes.

Submissions (7):

Labcorp Genetics (formerly Invitae), Labcorp
Classification: Likely benign. Last evaluated: 2025-07-20. Review status: criteria provided, single submitter. Criteria: Invitae Variant Classification Sherloc (09022015). Collection method: clinical testing. Allele origin: germline.

PreventionGenetics, part of Exact Sciences
Classification: Likely benign for ATR-related condition. Last evaluated: 2025-03-31. Review status: criteria provided, single submitter. Criteria: ACMG Guidelines, 2015. Collection method: clinical testing. Allele origin: germline.
Comment: This variant is classified as likely benign based on ACMG/AMP sequence variant interpretation guidelines (Richards et al. 2015 PMID: 25741868, with internal and published modifications).

Genome-Nilou Lab
Classification: Likely benign for Seckel syndrome 1. Last evaluated: 2023-02-08. Review status: criteria provided, single submitter. Criteria: ACMG Guidelines, 2015. Collection method: clinical testing. Allele origin: germline.

Genome-Nilou Lab
Classification: Likely benign for Familial cutaneous telangiectasia and oropharyngeal predisposition cancer syndrome. Last evaluated: 2023-02-08. Review status: criteria provided, single submitter. Criteria: ACMG Guidelines, 2015. Collection method: clinical testing. Allele origin: germline.

Blueprint Genetics
Classification: Likely benign. Last evaluated: 2022-10-21. Review status: criteria provided, single submitter. Criteria: ACMG Guidelines, 2015. Collection method: clinical testing. Allele origin: germline.

Ambry Genetics
Classification: Likely benign for Inborn genetic diseases. Last evaluated: 2022-03-17. Review status: criteria provided, single submitter. Criteria: Ambry Variant Classification Scheme 2023. Collection method: clinical testing. Allele origin: germline.

GeneDx
Classification: Likely benign. Last evaluated: 2016-09-15. Review status: criteria provided, single submitter. Criteria: GeneDx Variant Classification (06012015). Collection method: clinical testing. Allele origin: germline. Affected: yes.
Comment: This variant is considered likely benign or benign based on one or more of the following criteria: it is a conservative change, it occurs at a poorly conserved position in the protein, it is predicted to be benign by multiple in silico algorithms, and/or has population frequency not consistent with disease.